The following is an entry in ClinVar:

ClinVar aggregate classification (germline): Likely benign. Review status: criteria provided, multiple submitters, no conflicts (2 of 4 stars). 3 submissions from 3 submitters: Likely benign (3). Last evaluated 2024-01-16.

Conditions:
Methylmalonic acidemia with homocystinuria, type cblX (MAHCX). Also called: INTELLECTUAL DEVELOPMENTAL DISORDER, X-LINKED 3. Identifiers: Orphanet 369962, MedGen C0796208, MONDO:0010657, OMIM 309541.

Allele frequency attached by ClinVar (database versions not stated): ExAC 0.00001; gnomAD 0.00001; gnomAD exomes 0.00001 and 0.00002; TOPMed 0.00001.
gnomAD v4.1: 18 of 1,209,123 alleles (0.0015%); highest among the groups gnomAD compares: Non-Finnish European, 0.002%; no homozygotes.

Submissions (3):

Labcorp Genetics (formerly Invitae), Labcorp
Classification: Likely benign for Methylmalonic acidemia with homocystinuria, type cblX. Last evaluated: 2024-01-16. Review status: criteria provided, single submitter. Criteria: Invitae Variant Classification Sherloc (09022015). Collection method: clinical testing. Allele origin: germline.

ARUP Laboratories, Molecular Genetics and Genomics, ARUP Laboratories
Classification: Likely benign for Methylmalonic acidemia with homocystinuria, type cblX. Last evaluated: 2023-10-10. Review status: criteria provided, single submitter. Criteria: ARUP Molecular Germline Variant Investigation Process 2024. Collection method: clinical testing. Allele origin: germline.

GeneDx
Classification: Likely benign. Last evaluated: 2018-01-11. Review status: criteria provided, single submitter. Criteria: GeneDx Variant Classification (06012015). Collection method: clinical testing. Allele origin: germline. Affected: yes.
Comment: This variant is considered likely benign or benign based on one or more of the following criteria: it is a conservative change, it occurs at a poorly conserved position in the protein, it is predicted to be benign by multiple in silico algorithms, and/or has population frequency not consistent with disease.

NM_005334.3(HCFC1):c.3943A>C (p.Arg1315=)

Gene: HCFC1 (host cell factor C1; minus strand). Cytogenetic location: Xq28.
Variant type: single nucleotide variant.
Coding change: c.3943A>C on transcript NM_005334.3 (MANE Select); coding-DNA position 3943, A replaced by C.
Protein change: p.Arg1315=; no amino-acid change (arginine 1315 retained).
Molecular consequence: synonymous variant.
Genome position (GRCh38, 1-based): chrX:153,954,456, T>G on the plus strand (A>C on the coding strand, the complement: HCFC1 is on the minus strand). VCF-style: chrX-153954456-T-G. GRCh37 (hg19) VCF-style: chrX-153219907-T-G.
Identifiers: ClinVar variation 514394 (VCV000514394.11), dbSNP rs782766895, ClinGen allele CA10557107.